The following is an entry in ClinVar:

ClinVar aggregate classification (germline): Likely pathogenic (1 of 4 stars; one submission).

Conditions:
Fanconi anemia (FA). Also called: Fanconi's anemia. Identifiers: Orphanet 84, MedGen C0015625, MeSH D005199, MONDO:0019391.

Submission:

Labcorp Genetics (formerly Invitae), Labcorp
Classification: Likely pathogenic for Fanconi anemia. Last evaluated: 2019-10-13. Review status: criteria provided, single submitter. Criteria: Invitae Variant Classification Sherloc (09022015). Collection method: clinical testing. Allele origin: germline.
Comment: In summary, the currently available evidence indicates that the variant is pathogenic, but additional data are needed to prove that conclusively. Therefore, this variant has been classified as Likely Pathogenic. This sequence change affects an acceptor splice site in intron 5 of the FANCM gene. It is expected to disrupt RNA splicing and likely results in an absent or disrupted protein product. This variant is not present in population databases (ExAC no frequency). This variant has not been reported in the literature in individuals with FANCM-related conditions. Algorithms developed to predict the effect of sequence changes on RNA splicing suggest that this variant may disrupt the consensus splice site, but this prediction has not been confirmed by published transcriptional studies. Donor and acceptor splice site variants typically lead to a loss of protein function (PMID: 16199547), and loss-of-function variants in FANCM are known to be pathogenic (PMID: 29895858, 30075111).

Literature cited by the submitters: PubMed 16199547; PubMed 29895858; PubMed 30075111.

NM_020937.4(FANCM):c.1051-2A>T

Gene: FANCM (FA complementation group M; plus strand). Cytogenetic location: 14q21.2.
Variant type: single nucleotide variant.
Coding change: c.1051-2A>T on transcript NM_020937.4 (MANE Select); the canonical splice acceptor site of the intron before coding-DNA position 1051, A replaced by T.
Molecular consequence: splice acceptor variant.
Genome position (GRCh38, 1-based): chr14:45,153,918, A>T. VCF-style: chr14-45153918-A-T. GRCh37 (hg19) VCF-style: chr14-45623121-A-T.
Other names: c.973-2A>T (NM_001308133.2); c.1051-2A>T (NM_001308134.2).
Identifiers: ClinVar variation 960881 (VCV000960881.8), dbSNP rs1886997142, ClinGen allele CA389590764.